The following is an entry in ClinVar:

ClinVar aggregate classification (germline): Uncertain significance (1 of 4 stars; one submission).

Conditions:
Epidermolysis bullosa simplex 3, localized or generalized intermediate, with BP230 deficiency (EBS3). Also called: Epidermolysis bullosa simplex, autosomal recessive 2; Epidermolysis bullosa simplex due to BP230 deficiency. Identifiers: Orphanet 412181, MedGen C3809470, MONDO:0014180, OMIM 615425.
Hereditary sensory and autonomic neuropathy type 6. Also called: Neuropathy, hereditary sensory and autonomic, type VI; HSAN VI. Identifiers: Orphanet 314381, MedGen C3539003, MONDO:0013839, OMIM 614653.

Allele frequency attached by ClinVar (database versions not stated): gnomAD 0.00002 and 0.00003; TOPMed 0.00003; ExAC 0.00005; ESP Exome Variant Server 0.00008.
gnomAD v4.1: 48 of 1,609,820 alleles (0.003%); highest among the groups gnomAD compares: South Asian, 0.014%; no homozygotes.

Submission:

Labcorp Genetics (formerly Invitae), Labcorp
Classification: Uncertain significance for Epidermolysis bullosa simplex 3, localized or generalized intermediate, with BP230 deficiency; Hereditary sensory and autonomic neuropathy type 6. Last evaluated: 2023-08-07. Review status: criteria provided, single submitter. Criteria: Invitae Variant Classification Sherloc (09022015). Collection method: clinical testing. Allele origin: germline.
Comment: This variant is present in population databases (rs369510727, gnomAD 0.02%). In summary, the available evidence is currently insufficient to determine the role of this variant in disease. Therefore, it has been classified as a Variant of Uncertain Significance. An algorithm developed to predict the effect of missense changes on protein structure and function (PolyPhen-2) suggests that this variant is likely to be disruptive. ClinVar contains an entry for this variant (Variation ID: 934512). This variant has not been reported in the literature in individuals affected with DST-related conditions. This sequence change replaces alanine, which is neutral and non-polar, with valine, which is neutral and non-polar, at codon 2156 of the DST protein (p.Ala2156Val).

NM_001723.7(DST):c.6467C>T (p.Ala2156Val)

Gene: DST (dystonin; minus strand). Cytogenetic location: 6p12.1.
Variant type: single nucleotide variant.
Coding change: c.6467C>T on transcript NM_001723.7 (MANE Plus Clinical); coding-DNA position 6467, C replaced by T.
Protein change: p.Ala2156Val; replaces alanine 2156 with valine.
Molecular consequence: missense variant. On other transcripts: intron variant (10).
Genome position (GRCh38, 1-based): chr6:56,617,000, G>A on the plus strand (C>T on the coding strand, the complement: DST is on the minus strand). VCF-style: chr6-56617000-G-A. GRCh37 (hg19) VCF-style: chr6-56481798-G-A.
Other names: c.4831-2516C>T (NM_001144769.5); c.4930-2516C>T (NM_001374722.1, NM_001374736.1); c.4957-2516C>T (NM_001374734.1); c.4417-2516C>T (NM_001144770.2); c.4297-2516C>T (NM_001374730.1, NM_001386100.1, NM_183380.4 and 1 more transcripts); c.3319-2516C>T (NM_015548.5); short protein forms A2156V.
Identifiers: ClinVar variation 934512 (VCV000934512.9), dbSNP rs369510727, ClinGen allele CA3870160.